The following is an entry in ClinVar:

NM_206937.2(LIG4):c.560T>C (p.Ile187Thr)

Gene: LIG4 (DNA ligase 4; minus strand). Cytogenetic location: 13q33.3.
Variant type: single nucleotide variant.
Coding change: c.560T>C on transcript NM_206937.2 (MANE Select); coding-DNA position 560, T replaced by C.
Protein change: p.Ile187Thr; replaces isoleucine 187 with threonine.
Molecular consequence: missense variant.
Genome position (GRCh38, 1-based): chr13:108,210,709, A>G on the plus strand (T>C on the coding strand, the complement: LIG4 is on the minus strand). VCF-style: chr13-108210709-A-G. GRCh37 (hg19) VCF-style: chr13-108863057-A-G.
Other names: c.560T>C, p.Ile187Thr (NM_001098268.2, NM_001352598.2, NM_001352599.2 and 6 more transcripts); c.359T>C, p.Ile120Thr (NM_001330595.2); c.596T>C, p.Ile199Thr (NM_001352604.2); short protein forms I187T, I199T, I120T.
Identifiers: ClinVar variation 310991 (VCV000310991.33), dbSNP rs199854013, ClinGen allele CA7043829.

ClinVar aggregate classification (germline): Uncertain significance. Review status: criteria provided, multiple submitters, no conflicts (2 of 4 stars). 5 submissions from 4 submitters: Uncertain significance (5). Last evaluated 2023-03-01.

Conditions:
DNA ligase IV deficiency. Identifiers: Orphanet 99812, MedGen C1847827, MONDO:0011686, OMIM 606593.
Multiple myeloma (MM). Also called: Multiple myeloma, somatic; Plasma cell myeloma. Identifiers: Orphanet 29073, Orphanet 85443, MedGen C0026764, MeSH D009101, MONDO:0009693, OMIM 254500, HP:0006775.
Severe combined immunodeficiency due to DCLRE1C deficiency (RS-SCID). Also called: SCID, AUTOSOMAL RECESSIVE, T CELL-NEGATIVE, B CELL-NEGATIVE, NK CELL-POSITIVE, WITH SENSITIVITY TO IONIZING RADIATION. Identifiers: Orphanet 275, MedGen C1865371, MONDO:0011225, OMIM 602450.

Allele frequency attached by ClinVar (database versions not stated): gnomAD 0.00001; TOPMed 0.00002.
gnomAD v4.1: 64 of 1,613,876 alleles (0.004%); highest among the groups gnomAD compares: Non-Finnish European, 0.0053%; no homozygotes.

Submissions (5):

CeGaT Center for Human Genetics Tuebingen
Classification: Uncertain significance. Last evaluated: 2023-03-01. Review status: criteria provided, single submitter. Criteria: CeGaT Center For Human Genetics Tuebingen Variant Classification Criteria Version 2. Collection method: clinical testing. Allele origin: germline. Affected: yes. Observed: 1 variant allele.
Comment: LIG4: PM2

Labcorp Genetics (formerly Invitae), Labcorp
Classification: Uncertain significance for DNA ligase IV deficiency. Last evaluated: 2022-10-13. Review status: criteria provided, single submitter. Criteria: Invitae Variant Classification Sherloc (09022015). Collection method: clinical testing. Allele origin: germline.
Comment: This sequence change replaces isoleucine, which is neutral and non-polar, with threonine, which is neutral and polar, at codon 187 of the LIG4 protein (p.Ile187Thr). This variant is present in population databases (rs199854013, gnomAD 0.007%). This variant has not been reported in the literature in individuals affected with LIG4-related conditions. ClinVar contains an entry for this variant (Variation ID: 310991). Advanced modeling of protein sequence and biophysical properties (such as structural, functional, and spatial information, amino acid conservation, physicochemical variation, residue mobility, and thermodynamic stability) has been performed at Invitae for this missense variant, however the output from this modeling did not meet the statistical confidence thresholds required to predict the impact of this variant on LIG4 protein function. In summary, the available evidence is currently insufficient to determine the role of this variant in disease. Therefore, it has been classified as a Variant of Uncertain Significance.

Fulgent Genetics
Classification: Uncertain significance for Multiple myeloma; DNA ligase IV deficiency. Last evaluated: 2022-01-07. Review status: criteria provided, single submitter. Criteria: ACMG Guidelines, 2015. Collection method: clinical testing. Allele origin: unknown.

Illumina Laboratory Services, Illumina
Classification: Uncertain significance for Severe combined immunodeficiency due to DCLRE1C deficiency. Last evaluated: 2018-01-13. Review status: criteria provided, single submitter. Criteria: ICSL Variant Classification Criteria 13 December 2019. Collection method: clinical testing. Allele origin: germline.

Illumina Laboratory Services, Illumina
Classification: Uncertain significance for DNA ligase IV deficiency. Last evaluated: 2018-01-13. Review status: criteria provided, single submitter. Criteria: ICSL Variant Classification Criteria 13 December 2019. Collection method: clinical testing. Allele origin: germline.